The following is an entry in ClinVar:

NM_001164508.2(NEB):c.17416G>A (p.Glu5806Lys)

Gene: NEB (nebulin; minus strand). Cytogenetic location: 2q23.3.
Variant type: single nucleotide variant.
Coding change: c.17416G>A on transcript NM_001164508.2 (MANE Select); coding-DNA position 17416, G replaced by A.
Protein change: p.Glu5806Lys; replaces glutamic acid 5806 with lysine.
Molecular consequence: missense variant.
Genome position (GRCh38, 1-based): chr2:151,570,095, C>T on the plus strand (G>A on the coding strand, the complement: NEB is on the minus strand). VCF-style: chr2-151570095-C-T. GRCh37 (hg19) VCF-style: chr2-152426609-C-T.
Other names: c.17416G>A, p.Glu5806Lys (NM_001164507.2, NM_001271208.2); c.12313G>A, p.Glu4105Lys (NM_004543.5); short protein forms E5806K, E4105K.
Identifiers: ClinVar variation 578888 (VCV000578888.5), dbSNP rs748311158, ClinGen allele CA1908227.

ClinVar aggregate classification (germline): Uncertain significance (1 of 4 stars; one submission).

Conditions:
Nemaline myopathy 2 (NEM2). Also called: Nemaline myopathy 2, autosomal recessive. Identifiers: MedGen C1850569, MONDO:0009725, OMIM 256030.

Allele frequency attached by ClinVar (database versions not stated): TOPMed below 0.00001; ExAC 0.00001; gnomAD 0.00001; gnomAD exomes 0.00001.
gnomAD v4.1: 5 of 1,608,542 alleles (0.00031%); highest among the groups gnomAD compares: Admixed American, 0.0034%; no homozygotes.

Submission:

Labcorp Genetics (formerly Invitae), Labcorp
Classification: Uncertain significance for Nemaline myopathy 2. Last evaluated: 2021-09-01. Review status: criteria provided, single submitter. Criteria: Invitae Variant Classification Sherloc (09022015). Collection method: clinical testing. Allele origin: germline.
Comment: This sequence change replaces glutamic acid with lysine at codon 5806 of the NEB protein (p.Glu5806Lys). The glutamic acid residue is moderately conserved and there is a small physicochemical difference between glutamic acid and lysine. The frequency data for this variant in the population databases is considered unreliable, as metrics indicate poor data quality at this position in the ExAC database. This variant has not been reported in the literature in individuals affected with NEB-related conditions. Algorithms developed to predict the effect of missense changes on protein structure and function are either unavailable or do not agree on the potential impact of this missense change (SIFT: "Deleterious"; PolyPhen-2: "Not Available"; Align-GVGD: "Class C0"). In summary, the available evidence is currently insufficient to determine the role of this variant in disease. Therefore, it has been classified as a Variant of Uncertain Significance.